The following is an entry in ClinVar:

ClinVar aggregate classification (germline): Uncertain significance (1 of 4 stars; one submission).

Conditions:
SIM1-related disorder. Also called: SIM1-related disorders; SIM1-related condition.

gnomAD v4.1: 1 of 1,614,104 alleles (0.000062%); highest among the groups gnomAD compares: African/African-American, 0.0013%; no homozygotes.

Submission:

PreventionGenetics, part of Exact Sciences
Classification: Uncertain significance for SIM1-related condition. Last evaluated: 2025-08-24. Review status: criteria provided, single submitter. Criteria: ACMG Guidelines, 2015. Collection method: clinical testing. Allele origin: germline.
Comment: The SIM1 c.1873G>T variant is predicted to result in the amino acid substitution p.Ala625Ser. To our knowledge, this variant has not been reported in the literature or in a large population database (gnomAD), indicating this variant is rare. At this time, the clinical significance of this variant is uncertain due to the absence of conclusive functional and genetic evidence.

NM_005068.3(SIM1):c.1873G>T (p.Ala625Ser)

Gene: SIM1 (SIM bHLH transcription factor 1; minus strand). Cytogenetic location: 6q16.3.
Variant type: single nucleotide variant.
Coding change: c.1873G>T on transcript NM_005068.3 (MANE Select); coding-DNA position 1873, G replaced by T.
Protein change: p.Ala625Ser; replaces alanine 625 with serine.
Molecular consequence: missense variant.
Genome position (GRCh38, 1-based): chr6:100,390,789, C>A on the plus strand (G>T on the coding strand, the complement: SIM1 is on the minus strand). VCF-style: chr6-100390789-C-A. GRCh37 (hg19) VCF-style: chr6-100838665-C-A.
Other names: c.1873G>T, p.Ala625Ser (NM_001374769.1); short protein forms A625S.
Identifiers: ClinVar variation 4981014 (VCV004981014.1).